The following is an entry in ClinVar:

NM_005732.4(RAD50):c.668T>G (p.Ile223Ser)

Gene: RAD50 (RAD50 double strand break repair protein; plus strand). Cytogenetic location: 5q31.1.
Variant type: single nucleotide variant.
Coding change: c.668T>G on transcript NM_005732.4 (MANE Select); coding-DNA position 668, T replaced by G.
Protein change: p.Ile223Ser; replaces isoleucine 223 with serine.
Molecular consequence: missense variant.
Genome position (GRCh38, 1-based): chr5:132,579,978, T>G. VCF-style: chr5-132579978-T-G. GRCh37 (hg19) VCF-style: chr5-131915670-T-G.
Other names: short protein forms I223S.
Identifiers: ClinVar variation 1460748 (VCV001460748.8), dbSNP rs1750475890, ClinGen allele CA360936327.

ClinVar aggregate classification (germline): Uncertain significance (1 of 4 stars; one submission).

Conditions:
Hereditary cancer-predisposing syndrome. Also called: Tumor predisposition; Hereditary neoplastic syndrome; Hereditary Cancer Syndrome; Neoplastic Syndromes, Hereditary. Identifiers: Orphanet 140162, MedGen C0027672, MeSH D009386, MONDO:0015356.

Submission:

Labcorp Genetics (formerly Invitae), Labcorp
Classification: Uncertain significance for Hereditary cancer-predisposing syndrome. Last evaluated: 2021-07-24. Review status: criteria provided, single submitter. Criteria: Invitae Variant Classification Sherloc (09022015). Collection method: clinical testing. Allele origin: germline.
Comment: In summary, the available evidence is currently insufficient to determine the role of this variant in disease. Therefore, it has been classified as a Variant of Uncertain Significance. Algorithms developed to predict the effect of missense changes on protein structure and function are either unavailable or do not agree on the potential impact of this missense change (SIFT: "Tolerated"; PolyPhen-2: "Possibly Damaging"; Align-GVGD: "Class C0"). This variant has not been reported in the literature in individuals affected with RAD50-related conditions. This variant is not present in population databases (ExAC no frequency). This sequence change replaces isoleucine with serine at codon 223 of the RAD50 protein (p.Ile223Ser). The isoleucine residue is moderately conserved and there is a large physicochemical difference between isoleucine and serine.